The following is an entry in ClinVar:

ClinVar aggregate classification (germline): Pathogenic/Likely pathogenic. Review status: criteria provided, multiple submitters, no conflicts (2 of 4 stars). 15 submissions from 15 submitters: Pathogenic (11); Likely pathogenic (2). 2 of the submissions do not count toward it. Last evaluated 2026-03-13.

Conditions:
MYO7A-related disorder. Also called: MYO7A-related disorders.
Usher syndrome. Also called: Usher Syndromes; Usher's syndrome. Identifiers: Orphanet 886, MedGen CN469326, MeSH D052245, MONDO:0019501. Disease mechanism: loss of function.
Rare genetic deafness. Identifiers: Orphanet 96210, MedGen C5680250.
Retinal dystrophy. Also called: Inherited retinal dystrophy. Identifiers: Orphanet 71862, MedGen C0854723, MeSH D058499, MONDO:0019118, HP:0000556.
Autosomal recessive nonsyndromic hearing loss 2. Also called: DEAFNESS, AUTOSOMAL RECESSIVE 2; NEUROSENSORY NONSYNDROMIC RECESSIVE DEAFNESS 2. Identifiers: Orphanet 90636, MedGen C1838701, MONDO:0010807, OMIM 600060.
Usher syndrome type 1 (USH1). Also called: RETINITIS PIGMENTOSA AND CONGENITAL DEAFNESS. Identifiers: Orphanet 231169, Orphanet 886, MedGen C1568247, MONDO:0010168, OMIM 276900.
Autosomal dominant nonsyndromic hearing loss 11. Identifiers: Orphanet 90635, MedGen C1832475, MONDO:0011032, OMIM 601317.
Usher syndrome type 1B (USH1B). Also called: Usher syndrome type IB. Identifiers: MedGen C1848638, MONDO:0700087.

Allele frequency attached by ClinVar (database versions not stated): gnomAD 0.00004; TOPMed 0.00006; 1000 Genomes Project 30x 0.00016; gnomAD exomes 0.00002 and 0.00003; ExAC 0.00003.
gnomAD v4.1: 31 of 1,612,222 alleles (0.0019%); highest among the groups gnomAD compares: Admixed American, 0.01%; no homozygotes.

Submissions 1 to 12 of 15:

PreventionGenetics, part of Exact Sciences
Classification: Pathogenic for MYO7A-related condition. Last evaluated: 2026-03-13. Review status: criteria provided, single submitter. Criteria: ACMG Guidelines, 2015. Collection method: clinical testing. Allele origin: germline.
Comment: The MYO7A c.5648G>A variant is predicted to result in the amino acid substitution p.Arg1883Gln. This variant has been reported in individuals with features consistent with Usher syndrome, along with a second MYO7A variant (see for example: Table S2, Galbis-Martínez. 2021. PubMed ID: 33576163; Table S1, Lin. 2024. PubMed ID: 38219857). This variant was present in two related individuals in the compound heterozygous state, and the variants were present in the heterozygous state in unaffected family members (Lin. 2022. PubMed ID: 36484953). This variant is reported in 0.0086% of alleles in individuals of Latino descent in gnomAD. This variant is interpreted as pathogenic.

Labcorp Genetics (formerly Invitae), Labcorp
Classification: Pathogenic. Last evaluated: 2025-12-27. Review status: criteria provided, single submitter. Criteria: Invitae Variant Classification Sherloc (09022015). Collection method: clinical testing. Allele origin: germline.
Comment: This sequence change replaces arginine, which is basic and polar, with glutamine, which is neutral and polar, at codon 1883 of the MYO7A protein (p.Arg1883Gln). This variant is present in population databases (rs111033215, gnomAD 0.009%). This missense change has been observed in individual(s) with Usher syndrome (PMID: 20844544, 21569298, 21873662, 22135276). In at least one individual the data is consistent with being in trans (on the opposite chromosome) from a pathogenic variant. ClinVar contains an entry for this variant (Variation ID: 43294). Invitae Evidence Modeling of protein sequence and biophysical properties (such as structural, functional, and spatial information, amino acid conservation, physicochemical variation, residue mobility, and thermodynamic stability) indicates that this missense variant is expected to disrupt MYO7A protein function with a positive predictive value of 95%. For these reasons, this variant has been classified as Pathogenic.

Natera, Inc.
Classification: Pathogenic for Usher syndrome type 1B. Last evaluated: 2025-12-11. Review status: criteria provided, single submitter. Criteria: Natera Variant Classification Schema (03/2026). Collection method: clinical testing. Allele origin: germline.
Comment: The c.5648G>A variant in MYO7A is a missense variant predicted to cause substitution of arginine to glutamine at amino acid 1883. This variant is rare in the general population with a frequency below the threshold expected for the associated phenotype(s). This variant has been observed in one or more individuals affected with the associated recessive disease, as either homozygous or compound heterozygous with a second variant (PMID: 21569298, 22135276, 20844544, 30459346). Computational prediction algorithms indicate this variant is likely to affect gene or protein function. Given the available evidence, this variant is classified as Pathogenic.

Foundation for Research in Genetics and Endocrinology, FRIGE's Institute of Human Genetics
Classification: Likely pathogenic for Usher syndrome type 1. Last evaluated: 2025-07-18. Review status: criteria provided, single submitter. Criteria: ACMG Guidelines, 2015. Collection method: clinical testing. Allele origin: germline. Inheritance: Autosomal recessive inheritance. Affected: yes. Observed: 1 homozygote.
Comment: A homozygous missense variant in exon 41 of the MYO7A gene that results in the amino acid substitution of Glutamine for Arginine at codon 1883 was detected. The observed variant c.5648G>A (p.Arg1883Gln) has not been reported in the 1000 genomes and has MAF of 0.0019% in gnomAD and 0.0033% MAF in ExAC databases. The in silico prediction of the variant are damaging by SIFT, DANN, MetaLR, FATHMM and MutationTaster2. In summary, the variant meets our criteria to be classified as likely pathogenic.

Women's Health and Genetics/Laboratory Corporation of America, LabCorp
Classification: Pathogenic for Usher syndrome. Last evaluated: 2024-09-09. Review status: criteria provided, single submitter. Criteria: LabCorp Variant Classification Summary - May 2015. Collection method: clinical testing. Allele origin: germline.
Comment: Variant summary: MYO7A c.5648G>A (p.Arg1883Gln) results in a conservative amino acid change in the encoded protein sequence. Four of five in-silico tools predict a damaging effect of the variant on protein function. The variant allele was found at a frequency of 3.3e-05 in 245768 control chromosomes. c.5648G>A has been reported in the literature in multiple individuals affected with Usher Syndrome. These data indicate that the variant is very likely to be associated with disease. To our knowledge, no experimental evidence demonstrating an impact on protein function has been reported. The following publications have been ascertained in the context of this evaluation (PMID: 27460420, 30459346, 36484953, 15660226, 22135276). ClinVar contains an entry for this variant (Variation ID: 43294). Based on the evidence outlined above, the variant was classified as pathogenic.

Fulgent Genetics
Classification: Pathogenic for Usher syndrome type 1; Autosomal recessive nonsyndromic hearing loss 2; Autosomal dominant nonsyndromic hearing loss 11. Last evaluated: 2024-01-22. Review status: criteria provided, single submitter. Criteria: ACMG Guidelines, 2015. Collection method: clinical testing. Allele origin: germline.

GeneDx
Classification: Pathogenic. Last evaluated: 2023-10-16. Review status: criteria provided, single submitter. Criteria: GeneDx Variant Classification Process June 2021. Collection method: clinical testing. Allele origin: germline. Affected: yes.
Comment: In silico analysis supports that this missense variant has a deleterious effect on protein structure/function; This variant is associated with the following publications: (PMID: 22135276, 24199935, 15660226, 20844544, 21569298, 25714468, 21873662, 16963483, 31266775, 33576163)

Blueprint Genetics
Classification: Pathogenic for MYO7A-related disorders. Last evaluated: 2023-08-28. Review status: criteria provided, single submitter. Criteria: ACMG Guidelines, 2015. Collection method: clinical testing. Allele origin: germline. Affected: yes. Observed: 5 variant alleles.

Institute of Human Genetics, Univ. Regensburg, Univ. Regensburg
Classification: Pathogenic for Retinal dystrophy. Last evaluated: 2021-01-01. Review status: criteria provided, single submitter. Criteria: ACMG Guidelines, 2015. Collection method: clinical testing. Allele origin: germline. Affected: yes.

Institute of Medical Genetics and Applied Genomics, University Hospital Tübingen
Classification: Pathogenic. Last evaluated: 2020-10-23. Review status: criteria provided, single submitter. Criteria: ACMG Guidelines, 2015. Collection method: clinical testing. Allele origin: germline. Inheritance: Autosomal unknown. Affected: yes.

Laboratory for Molecular Medicine, Mass General Brigham Personalized Medicine
Classification: Pathogenic for Rare genetic deafness. Last evaluated: 2018-06-26. Review status: criteria provided, single submitter. Criteria: LMM Criteria. Collection method: clinical testing. Allele origin: germline. Inheritance: Autosomal recessive inheritance. Observed: 7 variant alleles.
Comment: The p.Arg1883Gln variant in MYO7A has been reported in 4 individuals with Usher Syndrome Type I (USH1), all of whom also carried a second pathogenic variant (Ou yang 2005, Nakanishi 2010, Bonnet 2011, Le Quesne Stabej 2012, Jacobson 2011). T he p.Arg1883Gln variant has been identified in 0.0088% (3/34194) Latino chromoso mes and 0.004% (10/274046) of total chromosomes by the Genome Aggregation Databa se (gnomAD; dbSNP rs111033215). Although this variant has been seen in the general population, its overall frequency is low en ough to be consistent with a recessive carrier frequency. Computational predicti on tools and conservation analysis suggest that the p.Arg1883Gln variant may imp act the protein. In summary, this variant meets criteria to be classified as pat hogenic for autosomal recessive Usher syndrome based upon multiple occurrences a s a compound heterozygous variant with pathogenic variants in the same gene in i ndividuals with Usher syndrome, low frequency in the gnomAD database, and predic ted impact on protein. ACMG/AMP criteria applied: PM3_Very Strong, PM2_Supportin g, PP3, PP4.

Department of Genetics, Sultan Qaboos University Hospital
Classification: Likely pathogenic for Usher syndrome type 1. Last evaluated: 2017-12-30. Review status: criteria provided, single submitter. Criteria: ACMG Guidelines, 2015. Collection method: curation. Allele origin: unknown. Affected: yes.

NM_000260.4(MYO7A):c.5648G>A (p.Arg1883Gln)

Gene: MYO7A (myosin VIIA; plus strand). Cytogenetic location: 11q13.5.
Variant type: single nucleotide variant.
Coding change: c.5648G>A on transcript NM_000260.4 (MANE Select); coding-DNA position 5648, G replaced by A.
Protein change: p.Arg1883Gln; replaces arginine 1883 with glutamine.
Molecular consequence: missense variant.
Genome position (GRCh38, 1-based): chr11:77,206,108, G>A. VCF-style: chr11-77206108-G-A. GRCh37 (hg19) VCF-style: chr11-76917153-G-A.
Other names: DFNA11; c.5534G>A, p.Arg1845Gln (NM_001127180.2); c.5501G>A, p.Arg1834Gln (NM_001369365.1); short protein forms R1883Q, R1845Q, R1834Q.
Identifiers: ClinVar variation 43294 (VCV000043294.33), dbSNP rs111033215, ClinGen allele CA278689.